The following is an entry in ClinVar:

NM_002860.4(ALDH18A1):c.61G>T (p.Val21Phe)

Gene: ALDH18A1 (aldehyde dehydrogenase 18 family member A1; minus strand). Cytogenetic location: 10q24.1.
Variant type: single nucleotide variant.
Coding change: c.61G>T on transcript NM_002860.4 (MANE Select); coding-DNA position 61, G replaced by T.
Protein change: p.Val21Phe; replaces valine 21 with phenylalanine.
Molecular consequence: missense variant. On other transcripts: 5 prime UTR variant (4).
Genome position (GRCh38, 1-based): chr10:95,653,317, C>A on the plus strand (G>T on the coding strand, the complement: ALDH18A1 is on the minus strand). VCF-style: chr10-95653317-C-A. GRCh37 (hg19) VCF-style: chr10-97413074-C-A.
Other names: c.61G>T, p.Val21Phe (NM_001017423.2, NM_001323413.2, NM_001323414.2 and 2 more transcripts); c.-58G>T (NM_001323412.2, NM_001323416.2, NM_001323418.2); c.-106G>T (NM_001323419.2); short protein forms V21F.
Identifiers: ClinVar variation 1207825 (VCV001207825.3), dbSNP rs775286160, ClinGen allele CA5620708.
Genomic context (GRCh38, chr10:95,653,317, plus strand): 5'-CCCACATACTCATAAGTTTTCTATGGTACATACGAGATCTGAAGACGGTTGTACACTTGA[C>A]CCAGGGCAGAAGATGTTGGTTGAAGGGCTGGAACCCACAGCGGTAAACTTGACTCAACAT-3'
Protein context (NP_002851.2, residues 11-31): QPFNQHLLPW[Val21Phe]KCTTVFRSHC

ClinVar aggregate classification (germline): Uncertain significance (1 of 4 stars; one submission).

Allele frequency attached by ClinVar (database versions not stated): ExAC 0.00003; gnomAD 0.00003.
gnomAD v4.1: 17 of 1,612,256 alleles (0.0011%); highest among the groups gnomAD compares: Non-Finnish European, 0.0012%; no homozygotes.

Submission:

GeneDx
Classification: Uncertain significance. Last evaluated: 2021-01-04. Review status: criteria provided, single submitter. Criteria: GeneDx Variant Classification Process June 2021. Collection method: clinical testing. Allele origin: germline. Affected: yes.
Comment: Has not been previously published as pathogenic or benign to our knowledge; Not observed at a significant frequency in large population cohorts (Lek et al., 2016); In silico analysis supports that this missense variant does not alter protein structure/function